The following is an entry in ClinVar:

NM_005751.5(AKAP9):c.3839T>C (p.Ile1280Thr)

Gene: AKAP9 (A-kinase anchoring protein 9; plus strand). Cytogenetic location: 7q21.2.
Variant type: single nucleotide variant.
Coding change: c.3839T>C on transcript NM_005751.5 (MANE Select); coding-DNA position 3839, T replaced by C.
Protein change: p.Ile1280Thr; replaces isoleucine 1280 with threonine.
Molecular consequence: missense variant.
Genome position (GRCh38, 1-based): chr7:92,022,239, T>C. VCF-style: chr7-92022239-T-C. GRCh37 (hg19) VCF-style: chr7-91651553-T-C.
Other names: c.3839T>C, p.Ile1280Thr (NM_147185.3); short protein forms I1280T.
Identifiers: ClinVar variation 3849659 (VCV003849659.1).

ClinVar aggregate classification (germline): Uncertain significance (1 of 4 stars; one submission).

Conditions:
Cardiovascular phenotype. Identifiers: MedGen CN230736.

Submission:

Ambry Genetics
Classification: Uncertain significance for Cardiovascular phenotype. Last evaluated: 2025-02-09. Review status: criteria provided, single submitter. Criteria: Ambry Variant Classification Scheme 2023. Collection method: clinical testing. Allele origin: germline.
Comment: The p.I1280T variant (also known as c.3839T>C), located in coding exon 13 of the AKAP9 gene, results from a T to C substitution at nucleotide position 3839. The isoleucine at codon 1280 is replaced by threonine, an amino acid with similar properties. This amino acid position is conserved. In addition, this alteration is predicted to be tolerated by in silico analysis. Based on the available evidence, the clinical significance of this variant remains unclear.